The following is an entry in ClinVar:

NM_000051.4(ATM):c.1039G>T (p.Glu347Ter)

Gene: ATM (ATM serine/threonine kinase; plus strand). Cytogenetic location: 11q22.3.
Variant type: single nucleotide variant.
Coding change: c.1039G>T on transcript NM_000051.4 (MANE Select); coding-DNA position 1039, G replaced by T.
Protein change: p.Glu347Ter; replaces glutamic acid 347 with a stop codon.
Molecular consequence: nonsense.
Genome position (GRCh38, 1-based): chr11:108,247,101, G>T. VCF-style: chr11-108247101-G-T. GRCh37 (hg19) VCF-style: chr11-108117828-G-T.
Other names: c.1039G>T, p.Glu347Ter (NM_001351834.2); short protein forms E347*.
Identifiers: ClinVar variation 1773580 (VCV001773580.4), dbSNP rs529202615, ClinGen allele CA6264724.
Genomic context (GRCh38, chr11:108,247,101, plus strand): 5'-GGAAGTAGAGGAAAGTATTCTTCAGGATTTCGTAATATTGCCGTCAAAGAAAATTTGATT[G>T]AATTGATGGCAGATATCTGTCACCAGGTACAGTAAGTAGGTCATGTCACATTTAGAAATT-3'

ClinVar aggregate classification (germline): Pathogenic. Review status: criteria provided, multiple submitters, no conflicts (2 of 4 stars). 3 submissions from 3 submitters: Pathogenic (3). Last evaluated 2025-01-20.

Conditions:
Hereditary cancer-predisposing syndrome. Also called: Hereditary Cancer Syndrome; Hereditary neoplastic syndrome; Neoplastic Syndromes, Hereditary; Tumor predisposition. Identifiers: Orphanet 140162, MedGen C0027672, MeSH D009386, MONDO:0015356.
Familial cancer of breast. Also called: BREAST CANCER, FAMILIAL; Hereditary breast cancer; hereditary breast carcinoma. Identifiers: Orphanet 227535, MedGen C0346153, MONDO:0016419, OMIM 114480. Disease mechanism: loss of function.

Allele frequency attached by ClinVar (database versions not stated): TOPMed below 0.00001; ExAC 0.00001; gnomAD 0.00002; 1000 Genomes Project 0.00040; 1000 Genomes Project 30x 0.00062.
gnomAD v4.1: 3 of 1,613,788 alleles (0.00019%); highest among the groups gnomAD compares: Admixed American, 0.005%; no homozygotes.

Submissions (3):

Institute for Biomarker Research, Medical Diagnostic Laboratories, L.L.C.
Classification: Pathogenic for Hereditary cancer-predisposing syndrome. Last evaluated: 2025-01-20. Review status: criteria provided, single submitter. Criteria: ACMG Guidelines, 2015. Collection method: clinical testing. Allele origin: germline.
Comment: The stop gained NM_000051.4(ATM):c.1039G>T (p.Glu347Ter) has been reported to ClinVar as Pathogenic with a status of (2 stars) criteria provided, multiple submitters, no conflicts (Variation ID 1773580 as of 2025-01-02). This variant is predicted to cause loss of normal protein function through protein truncation. This variant is a stop gained variant which occurs in an exon of ATM upstream of where nonsense mediated decay is predicted to occur. This variant has been previously classified as pathogenic, indicating that the region is critical to protein function. The p.Glu347Ter variant is a loss of function variant in the gene ATM, which is intolerant of Loss of Function variants, as indicated by the presence of existing pathogenic loss of function variant NP_000042.3:p.M1L and 2582 others. For these reasons, this variant has been classified as Pathogenic.

Myriad Genetics, Inc.
Classification: Pathogenic for Familial cancer of breast. Last evaluated: 2024-07-23. Review status: criteria provided, single submitter. Criteria: Myriad Autosomal Dominant, Autosomal Recessive and X-Linked Classification Criteria (2023). Collection method: clinical testing. Allele origin: unknown.
Comment: This variant is considered pathogenic. This variant creates a termination codon and is predicted to result in premature protein truncation.

Ambry Genetics
Classification: Pathogenic for Hereditary cancer-predisposing syndrome. Last evaluated: 2020-03-26. Review status: criteria provided, single submitter. Criteria: Ambry Variant Classification Scheme 2023. Collection method: clinical testing. Allele origin: germline.
Comment: The p.E347* pathogenic mutation (also known as c.1039G>T), located in coding exon 7 of the ATM gene, results from a G to T substitution at nucleotide position 1039. This changes the amino acid from a glutamic acid to a stop codon within coding exon 7. This alteration is expected to result in loss of function by premature protein truncation or nonsense-mediated mRNA decay. As such, this alteration is interpreted as a disease-causing mutation.